The following is an entry in ClinVar:

NM_001009944.3(PKD1):c.10051-3C>A

Gene: PKD1 (polycystin 1, transient receptor potential channel interacting; minus strand). Cytogenetic location: 16p13.3.
Variant type: single nucleotide variant.
Coding change: c.10051-3C>A on transcript NM_001009944.3 (MANE Select); 3 bases into the intron before coding-DNA position 10051, C replaced by A.
Molecular consequence: intron variant.
Genome position (GRCh38, 1-based): chr16:2,097,987, G>T on the plus strand (C>A on the coding strand, the complement: PKD1 is on the minus strand). VCF-style: chr16-2097987-G-T. GRCh37 (hg19) VCF-style: chr16-2147988-G-T.
Other names: c.10051-3C>A (NM_000296.4).
Identifiers: ClinVar variation 4526637 (VCV004526637.1).

ClinVar aggregate classification (germline): Uncertain significance (1 of 4 stars; one submission).

Conditions:
Polycystic kidney disease, adult type (PKD1). Also called: Polycystic Kidney, Autosomal Dominant; POLYCYSTIC KIDNEY DISEASE, ADULT, TYPE I; Polycystic Kidney Disease 1, Autosomal Dominant; Polycystic kidney disease 1; Polycystic kidney disease 1, severe; POLYCYSTIC KIDNEY DISEASE 1 WITH OR WITHOUT POLYCYSTIC LIVER DISEASE. Identifiers: MedGen C3149841, MONDO:0008263, OMIM 173900.

Submission:

Regional Center For Medical Genetics Timis, Louis Turcanu Emergency Hospital for Children Timisoara
Classification: Uncertain significance for Polycystic kidney disease, adult type. Last evaluated: 2025-07-16. Review status: criteria provided, single submitter. Criteria: ACMG Guidelines, 2015. Collection method: clinical testing. Allele origin: germline. Affected: yes.
Comment: The variant is present in the presumed healthy population at a very low frequency (gnomAD v4.1.0 exomes, allele frequency = 6.446e-7; PM2_Supporting). Splice prediction analysis indicates partial loss of the adjacent canonical splice acceptor site (DS_AL = 0.31) and activation of a nearby intronic cryptic acceptor site at c.10051-41 (DS_AG = 0.53). This variant is predicted to generate a combination of transcripts: (1) a transcript with partial exon 31 skipping (leaky splicing), resulting in an in-frame event without loss of function, and (2) a transcript with acceptor shift and partial intron retention, leading to a frameshift and predicted loss of function. Likely pathogenic PKD1 variants at the same acceptor site (c.10051-2A>G, c.10051-1G>T, and c.10051-1G>A) show similar splice prediction profiles, with complete loss of the canonical acceptor and activation of the same cryptic site (PP3, PS1_Supporting). To our knowledge, the identified variant has not been previously reported in the literature. Based on the available evidence, this variant is classified as of uncertain significance (VUS).